The following is an entry in ClinVar:

NM_005762.3(TRIM28):c.2203G>A (p.Gly735Ser)

Gene: TRIM28 (tripartite motif containing 28; plus strand). Cytogenetic location: 19q13.43.
Variant type: single nucleotide variant.
Coding change: c.2203G>A on transcript NM_005762.3 (MANE Select); coding-DNA position 2203, G replaced by A.
Protein change: p.Gly735Ser; replaces glycine 735 with serine.
Molecular consequence: missense variant.
Genome position (GRCh38, 1-based): chr19:58,550,156, G>A. VCF-style: chr19-58550156-G-A. GRCh37 (hg19) VCF-style: chr19-59061523-G-A.
Other names: short protein forms G735S.
Identifiers: ClinVar variation 2302964 (VCV002302964.4), dbSNP rs150158812, ClinGen allele CA9719546.

ClinVar aggregate classification (germline): Uncertain significance. Review status: criteria provided, multiple submitters, no conflicts (2 of 4 stars). 2 submissions from 2 submitters: Uncertain significance (2). Last evaluated 2025-07-15.

Allele frequency attached by ClinVar (database versions not stated): TOPMed 0.00005; gnomAD 0.00005; ESP Exome Variant Server 0.00008; ExAC 0.00004.
gnomAD v4.1: 137 of 1,613,766 alleles (0.0085%); highest among the groups gnomAD compares: Non-Finnish European, 0.011%; no homozygotes.

Submissions (2):

Labcorp Genetics (formerly Invitae), Labcorp
Classification: Uncertain significance. Last evaluated: 2025-07-15. Review status: criteria provided, single submitter. Criteria: Invitae Variant Classification Sherloc (09022015). Collection method: clinical testing. Allele origin: germline.
Comment: This sequence change replaces glycine, which is neutral and non-polar, with serine, which is neutral and polar, at codon 735 of the TRIM28 protein (p.Gly735Ser). This variant is present in population databases (rs150158812, gnomAD 0.007%). This variant has not been reported in the literature in individuals affected with TRIM28-related conditions. ClinVar contains an entry for this variant (Variation ID: 2302964). Experimental studies and prediction algorithms are not available or were not evaluated, and the functional significance of this variant is currently unknown. In summary, the available evidence is currently insufficient to determine the role of this variant in disease. Therefore, it has been classified as a Variant of Uncertain Significance.

Ambry Genetics
Classification: Uncertain significance. Last evaluated: 2024-01-30. Review status: criteria provided, single submitter. Criteria: Ambry Variant Classification Scheme 2023. Collection method: clinical testing. Allele origin: germline.